The following is an entry in ClinVar:

NM_001005242.3(PKP2):c.1171-146A>G

Gene: PKP2 (plakophilin 2; minus strand). Cytogenetic location: 12p11.21.
Variant type: single nucleotide variant.
Coding change: c.1171-146A>G on transcript NM_001005242.3 (MANE Select); 146 bases into the intron before coding-DNA position 1171, A replaced by G.
Molecular consequence: intron variant.
Genome position (GRCh38, 1-based): chr12:32,851,119, T>C on the plus strand (A>G on the coding strand, the complement: PKP2 is on the minus strand). VCF-style: chr12-32851119-T-C. GRCh37 (hg19) VCF-style: chr12-33004053-T-C.
Other names: c.1171-146A>G (NM_004572.4).
Identifiers: ClinVar variation 674596 (VCV000674596.1), dbSNP rs73303641, ClinGen allele CA235255642.

ClinVar aggregate classification (germline): Benign (1 of 4 stars; one submission).

Allele frequency attached by ClinVar (database versions not stated): gnomAD 0.02495 and 0.02691; 1000 Genomes Project 0.02796; TOPMed 0.02800; 1000 Genomes Project 30x 0.03092.
gnomAD v4.1: 5,480 of 709,760 alleles (0.77%); highest among the groups gnomAD compares: African/African-American, 8.6%; 201 homozygotes.

Submission:

GeneDx
Classification: Benign. Last evaluated: 2018-06-18. Review status: criteria provided, single submitter. Criteria: GeneDx Variant Classification (06012015). Collection method: clinical testing. Allele origin: germline. Affected: yes.
Comment: This variant is considered likely benign or benign based on one or more of the following criteria: it is a conservative change, it occurs at a poorly conserved position in the protein, it is predicted to be benign by multiple in silico algorithms, and/or has population frequency not consistent with disease.